The following is an entry in ClinVar:

ClinVar aggregate classification (germline): Uncertain significance (1 of 4 stars; one submission).

Conditions:
Mucopolysaccharidosis, MPS-III-D (MPS3D). Also called: N-ACETYLGLUCOSAMINE-6-SULFATASE DEFICIENCY; SANFILIPPO SYNDROME D; MPS III D; Mucopoly-saccharidosis type 3D; N-acetylglucosamine-6-sulfate sulfatase deficiency; MPS 3D. Identifiers: Orphanet 581, Orphanet 79272, MedGen C0086650, MONDO:0009658, OMIM 252940.

Allele frequency attached by ClinVar (database versions not stated): gnomAD 0.00001.
gnomAD v4.1: 1 of 1,592,018 alleles (0.000063%); highest among the groups gnomAD compares: Non-Finnish European, 0.000086%; no homozygotes.

Submission:

Labcorp Genetics (formerly Invitae), Labcorp
Classification: Uncertain significance for Mucopolysaccharidosis, MPS-III-D. Last evaluated: 2022-01-17. Review status: criteria provided, single submitter. Criteria: Invitae Variant Classification Sherloc (09022015). Collection method: clinical testing. Allele origin: germline.
Comment: This variant is not present in population databases (gnomAD no frequency). This sequence change replaces phenylalanine, which is neutral and non-polar, with serine, which is neutral and polar, at codon 475 of the GNS protein (p.Phe475Ser). This variant has not been reported in the literature in individuals affected with GNS-related conditions. Algorithms developed to predict the effect of missense changes on protein structure and function (SIFT, PolyPhen-2, Align-GVGD) all suggest that this variant is likely to be disruptive. In summary, the available evidence is currently insufficient to determine the role of this variant in disease. Therefore, it has been classified as a Variant of Uncertain Significance.

NM_002076.4(GNS):c.1424T>C (p.Phe475Ser)

Gene: GNS (glucosamine (N-acetyl)-6-sulfatase; minus strand). Cytogenetic location: 12q14.3.
Variant type: single nucleotide variant.
Coding change: c.1424T>C on transcript NM_002076.4 (MANE Select); coding-DNA position 1424, T replaced by C.
Protein change: p.Phe475Ser; replaces phenylalanine 475 with serine.
Molecular consequence: missense variant.
Genome position (GRCh38, 1-based): chr12:64,720,178, A>G on the plus strand (T>C on the coding strand, the complement: GNS is on the minus strand). VCF-style: chr12-64720178-A-G. GRCh37 (hg19) VCF-style: chr12-65113958-A-G.
Other names: short protein forms F475S.
Identifiers: ClinVar variation 2087128 (VCV002087128.4), dbSNP rs1868981080, ClinGen allele CA385601251.